The following is an entry in ClinVar:

ClinVar aggregate classification (germline): Uncertain significance (1 of 4 stars; one submission).

Submission:

GeneDx
Classification: Uncertain significance. Last evaluated: 2018-05-17. Review status: criteria provided, single submitter. Criteria: GeneDx Variant Classification (06012015). Collection method: clinical testing. Allele origin: germline. Affected: yes.
Comment: The R56P variant in the ATL3 gene has not been reported previously as a pathogenic variant, nor as a benign variant, to our knowledge. The R56P variant is not observed in large population cohorts (Lek et al., 2016). The R56P variant is a non-conservative amino acid substitution, which is likely to impact secondary protein structure as these residues differ in polarity, charge, size and/or other properties. In-silico analyses, including protein predictors and evolutionary conservation, support a deleterious effect. We interpret R56P as a variant of uncertain significance.

NM_015459.5(ATL3):c.167G>C (p.Arg56Pro)

Gene: ATL3 (atlastin GTPase 3; minus strand). Cytogenetic location: 11q13.1.
Variant type: single nucleotide variant.
Coding change: c.167G>C on transcript NM_015459.5 (MANE Select); coding-DNA position 167, G replaced by C.
Protein change: p.Arg56Pro; replaces arginine 56 with proline.
Molecular consequence: missense variant.
Genome position (GRCh38, 1-based): chr11:63,659,132, C>G on the plus strand (G>C on the coding strand, the complement: ATL3 is on the minus strand). VCF-style: chr11-63659132-C-G. GRCh37 (hg19) VCF-style: chr11-63426604-C-G.
Other names: c.113G>C, p.Arg38Pro (NM_001290048.2); short protein forms R38P, R56P.
Identifiers: ClinVar variation 546232 (VCV000546232.2), dbSNP rs1555056736, ClinGen allele CA381030930.